The following is an entry in ClinVar:

ClinVar aggregate classification (germline): Uncertain significance (1 of 4 stars; one submission).

Submission:

Labcorp Genetics (formerly Invitae), Labcorp
Classification: Uncertain significance. Last evaluated: 2024-05-06. Review status: criteria provided, single submitter. Criteria: Invitae Variant Classification Sherloc (09022015). Collection method: clinical testing. Allele origin: germline.
Comment: This sequence change replaces cysteine, which is neutral and slightly polar, with phenylalanine, which is neutral and non-polar, at codon 243 of the VCAN protein (p.Cys243Phe). This variant is not present in population databases (gnomAD no frequency). This variant has not been reported in the literature in individuals affected with VCAN-related conditions. ClinVar contains an entry for this variant (Variation ID: 1016348). An algorithm developed to predict the effect of missense changes on protein structure and function (PolyPhen-2) suggests that this variant is likely to be disruptive. In summary, the available evidence is currently insufficient to determine the role of this variant in disease. Therefore, it has been classified as a Variant of Uncertain Significance.

NM_004385.5(VCAN):c.728G>T (p.Cys243Phe)

Gene: VCAN (versican; plus strand). Cytogenetic location: 5q14.2.
Variant type: single nucleotide variant.
Coding change: c.728G>T on transcript NM_004385.5 (MANE Select); coding-DNA position 728, G replaced by T.
Protein change: p.Cys243Phe; replaces cysteine 243 with phenylalanine.
Molecular consequence: missense variant.
Genome position (GRCh38, 1-based): chr5:83,493,911, G>T. VCF-style: chr5-83493911-G-T. GRCh37 (hg19) VCF-style: chr5-82789730-G-T.
Other names: c.728G>T, p.Cys243Phe (NM_001126336.3, NM_001164097.2, NM_001164098.2); short protein forms C243F.
Identifiers: ClinVar variation 1016348 (VCV001016348.8), dbSNP rs1745065738, ClinGen allele CA360297059.